The following is an entry in ClinVar:

ClinVar aggregate classification (germline): Conflicting classifications of pathogenicity. Review status: criteria provided, conflicting classifications (1 of 4 stars). 16 submissions from 15 submitters: Uncertain significance (1); Benign (4); Likely benign (8). 3 of the submissions do not count toward it. Last evaluated 2026-09-01.

Conditions:
RYR1-related disorder. Also called: RYR1-related disorders; RYR1-related condition. Identifiers: MedGen CN239331.
Malignant hyperthermia, susceptibility to, 1 (MHS1). Also called: Malignant hyperthermia suceptibility 1; Anesthesia related hyperthermia; Malignant hyperpyrexia; Fulminating hyperpyrexia; Pharmacogenic myopathy; RYR1-Related Malignant Hyperthermia Susceptibility. Identifiers: Orphanet 423, MedGen C2930980, MONDO:0007783, OMIM 145600.
Congenital multicore myopathy with external ophthalmoplegia (CMYO1B). Also called: Congenital myopathy 1B, autosomal recessive; Minicore myopathy; MULTICORE MYOPATHY; MULTIMINICORE DISEASE WITH EXTERNAL OPHTHALMOPLEGIA; Minicore myopathy with external ophthalmoplegia. Identifiers: Orphanet 598, Orphanet 98905, MedGen C1850674, MONDO:0009712, OMIM 255320, HP:0003789.

Allele frequency attached by ClinVar (database versions not stated): 1000 Genomes Project 0.00120; ExAC 0.00205; TOPMed 0.00205; gnomAD 0.00206 and 0.00208; ESP Exome Variant Server 0.00292; 1000 Genomes Project 30x 0.00094.
gnomAD v4.1: 4,380 of 1,613,974 alleles (0.27%); highest among the groups gnomAD compares: Non-Finnish European, 0.34%; 10 homozygotes.

Submissions (16):

CeGaT Center for Human Genetics Tuebingen
Classification: Likely benign. Last evaluated: 2026-09-01. Review status: criteria provided, single submitter. Criteria: CeGaT Center For Human Genetics Tuebingen Variant Classification Criteria Version 2. Collection method: clinical testing. Allele origin: germline. Affected: yes. Observed: 27 variant alleles.
Comment: RYR1: BP4, BP7

Labcorp Genetics (formerly Invitae), Labcorp
Classification: Benign for RYR1-related disorder. Last evaluated: 2026-01-28. Review status: criteria provided, single submitter. Criteria: Invitae Variant Classification Sherloc (09022015). Collection method: clinical testing. Allele origin: germline.

Blueprint Genetics
Classification: Likely benign. Last evaluated: 2024-11-13. Review status: criteria provided, single submitter. Criteria: ACMG Guidelines, 2015. Collection method: clinical testing. Allele origin: germline.

Mayo Clinic Laboratories, Mayo Clinic
Classification: Likely benign. Last evaluated: 2024-05-08. Review status: criteria provided, single submitter. Criteria: ACMG Guidelines, 2015. Collection method: clinical testing. Allele origin: germline. Observed: 4 variant alleles.
Comment: BS1, BP4, BP7

All of Us Research Program, National Institutes of Health
Classification: Benign for Malignant hyperthermia, susceptibility to, 1. Last evaluated: 2024-02-05. Review status: criteria provided, single submitter. Criteria: ACMG Guidelines, 2015. Collection method: clinical testing. Allele origin: germline. Inheritance: Autosomal dominant inheritance. Observed: 626 variant alleles, 624 heterozygotes, 2 homozygotes.
Comment: This study involves interpretation of variants in research participants for the purpose of population health screening. Participant phenotype was not available at the time of variant classification. Additional details can be found in publication PMID: 35346344, PMCID: PMC8962531

Color Diagnostics, LLC DBA Color Health
Classification: Benign for Malignant hyperthermia, susceptibility to, 1. Last evaluated: 2022-05-03. Review status: criteria provided, single submitter. Criteria: ACMG Guidelines, 2015. Collection method: clinical testing. Allele origin: germline.

ARUP Laboratories, Molecular Genetics and Genomics, ARUP Laboratories
Classification: Likely benign. Last evaluated: 2022-04-01. Review status: criteria provided, single submitter. Criteria: ARUP Molecular Germline Variant Investigation Process 2021. Collection method: clinical testing. Allele origin: germline.

GeneDx
Classification: Likely benign. Last evaluated: 2021-01-21. Review status: criteria provided, single submitter. Criteria: GeneDx Variant Classification Process June 2021. Collection method: clinical testing. Allele origin: germline. Affected: yes.
Comment: This variant is associated with the following publications: (PMID: 16917943, 30325262)

Illumina Laboratory Services, Illumina
Classification: Likely benign for Malignant hyperthermia, susceptibility to, 1. Last evaluated: 2018-01-12. Review status: criteria provided, single submitter. Criteria: ICSL Variant Classification Criteria 13 December 2019. Collection method: clinical testing. Allele origin: germline.
Comment: This variant was observed in the ICSL laboratory as part of a predisposition screen in an ostensibly healthy population. It had not been previously curated by ICSL or reported in the Human Gene Mutation Database (HGMD: prior to June 1st, 2018), and was therefore a candidate for classification through an automated scoring system. Utilizing variant allele frequency, disease prevalence and penetrance estimates, and inheritance mode, an automated score was calculated to assess if this variant is too frequent to cause the disease. Based on the score and internal cut-off values, a variant classified as likely benign is not then subjected to further curation. The score for this variant resulted in a classification of likely benign for this disease.

Illumina Laboratory Services, Illumina
Classification: Likely benign for Congenital multicore myopathy with external ophthalmoplegia. Last evaluated: 2018-01-12. Review status: criteria provided, single submitter. Criteria: ICSL Variant Classification Criteria 13 December 2019. Collection method: clinical testing. Allele origin: germline.
Comment: the same text as in the submission from Illumina Laboratory Services, Illumina above.

Athena Diagnostics
Classification: Likely benign. Last evaluated: 2017-04-21. Review status: criteria provided, single submitter. Criteria: Athena Diagnostics Criteria. Collection method: clinical testing. Allele origin: germline.

PreventionGenetics, part of Exact Sciences
Classification: Benign. Last evaluated: 2016-08-02. Review status: criteria provided, single submitter. Criteria: ACMG Guidelines, 2015. Collection method: clinical testing. Allele origin: germline.

Eurofins Ntd Llc (ga)
Classification: Uncertain significance. Last evaluated: 2015-06-03. Review status: criteria provided, single submitter. Criteria: EGL Classification Definitions 2015. Collection method: clinical testing. Allele origin: germline. Observed: 1 variant allele, 1 heterozygote.

Joint Genome Diagnostic Labs from Nijmegen and Maastricht, Radboudumc and MUMC+
Classification: Benign. Review status: no assertion criteria provided. Collection method: clinical testing. Allele origin: germline. Affected: yes. Study: VKGL Data-share Consensus. Not counted in ClinVar's aggregate classification.

Laboratory of Diagnostic Genome Analysis, Leiden University Medical Center (LUMC)
Classification: Likely benign. Review status: no assertion criteria provided. Collection method: clinical testing. Allele origin: germline. Affected: yes. Study: VKGL Data-share Consensus. Not counted in ClinVar's aggregate classification.

RYR1 database
No classification provided. Review status: no classification provided. Collection method: not provided. Allele origin: unknown. Not counted in ClinVar's aggregate classification.

Literature cited by the submitters: PubMed 30325262 (cited by Mayo Clinic Laboratories, Mayo Clinic); PubMed 16917943 (cited by Eurofins Ntd Llc (ga)).

NM_000540.3(RYR1):c.2121C>A (p.Gly707=)

Gene: RYR1 (ryanodine receptor 1; plus strand). Cytogenetic location: 19q13.2.
Variant type: single nucleotide variant.
Coding change: c.2121C>A on transcript NM_000540.3 (MANE Select); coding-DNA position 2121, C replaced by A.
Protein change: p.Gly707=; no amino-acid change (glycine 707 retained).
Molecular consequence: synonymous variant.
Genome position (GRCh38, 1-based): chr19:38,458,246, C>A. VCF-style: chr19-38458246-C-A. GRCh37 (hg19) VCF-style: chr19-38948886-C-A.
Other names: p.Gly707=; c.2121C>A, p.Gly707= (NM_001042723.2).
Identifiers: ClinVar variation 133111 (VCV000133111.71), dbSNP rs146104858, ClinGen allele CA024329.